The following is an entry in ClinVar:

NM_015365.3(AMMECR1):c.202T>C (p.Cys68Arg)

Gene: AMMECR1 (AMMECR nuclear protein 1; minus strand). Cytogenetic location: Xq23.
Variant type: single nucleotide variant.
Coding change: c.202T>C on transcript NM_015365.3 (MANE Select); coding-DNA position 202, T replaced by C.
Protein change: p.Cys68Arg; replaces cysteine 68 with arginine.
Molecular consequence: missense variant. On other transcripts: intron variant (1).
Genome position (GRCh38, 1-based): chrX:110,317,870, A>G on the plus strand (T>C on the coding strand, the complement: AMMECR1 is on the minus strand). VCF-style: chrX-110317870-A-G. GRCh37 (hg19) VCF-style: chrX-109561098-A-G.
Other names: c.202T>C, p.Cys68Arg (NM_001025580.2); c.-147-21T>C (NM_001171689.2); short protein forms C68R.
Identifiers: ClinVar variation 2501432 (VCV002501432.1), dbSNP rs2522639532, ClinGen allele CA414223577.

ClinVar aggregate classification (germline): Uncertain significance (1 of 4 stars; one submission).

Allele frequency attached by ClinVar (database versions not stated): gnomAD exomes 0.00002.
gnomAD v4.1: 20 of 1,179,708 alleles (0.0017%); highest among the groups gnomAD compares: Non-Finnish European, 0.0023%; no homozygotes.

Submission:

GeneDx
Classification: Uncertain significance. Last evaluated: 2022-11-02. Review status: criteria provided, single submitter. Criteria: GeneDx Variant Classification Process June 2021. Collection method: clinical testing. Allele origin: germline. Affected: yes.
Comment: Not observed at significant frequency in large population cohorts (gnomAD); In silico analysis supports that this missense variant does not alter protein structure/function; Has not been previously published as pathogenic or benign to our knowledge